The following is an entry in ClinVar:

ClinVar aggregate classification (germline): Benign. Review status: criteria provided, single submitter (1 of 4 stars). 2 submissions from 2 submitters: Benign (1). 1 of the submissions does not count toward it. Last evaluated 2026-01-07.

Conditions:
LEP-related disorder. Also called: LEP-related condition.

Allele frequency attached by ClinVar (database versions not stated): gnomAD 0.00009; gnomAD exomes 0.00010; ExAC 0.00013; TOPMed 0.00017.
gnomAD v4.1: 175 of 1,610,168 alleles (0.011%); highest among the groups gnomAD compares: Middle Eastern, 0.051%; 1 homozygote.

Submissions (2):

Labcorp Genetics (formerly Invitae), Labcorp
Classification: Benign. Last evaluated: 2026-01-07. Review status: criteria provided, single submitter. Criteria: Invitae Variant Classification Sherloc (09022015). Collection method: clinical testing. Allele origin: germline.

PreventionGenetics, part of Exact Sciences
Classification: Likely benign for LEP-related condition. Last evaluated: 2021-01-05. Review status: no assertion criteria provided. Collection method: clinical testing. Allele origin: germline. Not counted in ClinVar's aggregate classification.
Comment: This variant is classified as likely benign based on ACMG/AMP sequence variant interpretation guidelines (Richards et al. 2015 PMID: 25741868, with internal and published modifications).

NM_000230.3(LEP):c.492C>T (p.Ser164=)

Gene: LEP (leptin; plus strand). Cytogenetic location: 7q32.1.
Variant type: single nucleotide variant.
Coding change: c.492C>T on transcript NM_000230.3 (MANE Select); coding-DNA position 492, C replaced by T.
Protein change: p.Ser164=; no amino-acid change (serine 164 retained).
Molecular consequence: synonymous variant.
Genome position (GRCh38, 1-based): chr7:128,254,751, C>T. VCF-style: chr7-128254751-C-T. GRCh37 (hg19) VCF-style: chr7-127894804-C-T.
Other names: c.492C>T (NM_000230.2).
Identifiers: ClinVar variation 2172424 (VCV002172424.6), dbSNP rs200819049, ClinGen allele CA4469728.